The following is an entry in ClinVar:

ClinVar aggregate classification (germline): Likely benign (0 of 4 stars; one submission).

Conditions:
LAMA5-related disorder. Also called: LAMA5-Related Disorders; LAMA5-related condition.

Submission:

PreventionGenetics, part of Exact Sciences
Classification: Likely benign for LAMA5-related condition. Last evaluated: 2024-02-06. Review status: no assertion criteria provided. Collection method: clinical testing. Allele origin: germline.
Comment: This variant is classified as likely benign based on ACMG/AMP sequence variant interpretation guidelines (Richards et al. 2015 PMID: 25741868, with internal and published modifications).

NM_005560.6(LAMA5):c.4530G>C (p.Leu1510=)

Gene: LAMA5 (laminin subunit alpha 5; minus strand). Cytogenetic location: 20q13.33.
Variant type: single nucleotide variant.
Coding change: c.4530G>C on transcript NM_005560.6 (MANE Select); coding-DNA position 4530, G replaced by C.
Protein change: p.Leu1510=; no amino-acid change (leucine 1510 retained).
Molecular consequence: synonymous variant.
Genome position (GRCh38, 1-based): chr20:62,328,363, C>G on the plus strand (G>C on the coding strand, the complement: LAMA5 is on the minus strand). VCF-style: chr20-62328363-C-G. GRCh37 (hg19) VCF-style: chr20-60903419-C-G.
Identifiers: ClinVar variation 3029423 (VCV003029423.2), dbSNP rs7262393, ClinGen allele CA317257336.